The following is an entry in ClinVar:

ClinVar aggregate classification (germline): Uncertain significance (1 of 4 stars; one submission).

Conditions:
Autosomal recessive limb-girdle muscular dystrophy type 2J (LGMDR10). Also called: Limb-girdle muscular dystrophy, type 2J; MUSCULAR DYSTROPHY, LIMB-GIRDLE, AUTOSOMAL RECESSIVE 10. Identifiers: Orphanet 140922, MedGen C1837342, MONDO:0012127, OMIM 608807.
Dilated cardiomyopathy 1G (CMD1G). Identifiers: Orphanet 154, MedGen C1858763, MONDO:0011400, OMIM 604145.

Submission:

Labcorp Genetics (formerly Invitae), Labcorp
Classification: Uncertain significance for Dilated cardiomyopathy 1G; Autosomal recessive limb-girdle muscular dystrophy type 2J. Last evaluated: 2025-07-13. Review status: criteria provided, single submitter. Criteria: Invitae Variant Classification Sherloc (09022015). Collection method: clinical testing. Allele origin: germline.
Comment: This sequence change falls in intron 238 of the TTN gene. It does not directly change the encoded amino acid sequence of the TTN protein. It affects a nucleotide within the consensus splice site. This variant is not present in population databases (gnomAD no frequency). This variant has not been reported in the literature in individuals affected with TTN-related conditions. Variants that disrupt the consensus splice site are a relatively common cause of aberrant splicing (PMID: 17576681, 9536098). Algorithms developed to predict the effect of sequence changes on RNA splicing suggest that this variant may disrupt the consensus splice site. This variant is located in the I band of TTN (PMID: 25589632). Non-truncating variants in this region may be clinically relevant, but have not been definitively shown to cause cardiomyopathy or neuromuscular disease (PMID: 27493940, 32778822). In summary, the available evidence is currently insufficient to determine the role of this variant in disease. Therefore, it has been classified as a Variant of Uncertain Significance.

Literature cited by the submitters: PubMed 17576681; PubMed 9536098; PubMed 25589632; PubMed 27493940; PubMed 32778822.

NM_001267550.2(TTN):c.44154+5G>C

Gene: TTN (titin; minus strand). Cytogenetic location: 2q31.2.
Variant type: single nucleotide variant.
Coding change: c.44154+5G>C on transcript NM_001267550.2 (MANE Select); 5 bases into the intron after coding-DNA position 44154, G replaced by C.
Molecular consequence: intron variant.
Genome position (GRCh38, 1-based): chr2:178,630,799, C>G on the plus strand (G>C on the coding strand, the complement: TTN is on the minus strand). VCF-style: chr2-178630799-C-G. GRCh37 (hg19) VCF-style: chr2-179495526-C-G.
Other names: c.16959+5G>C (NM_003319.4); c.17535+5G>C (NM_133437.4); c.17334+5G>C (NM_133432.3); c.36450+5G>C (NM_133378.4); c.39231+5G>C (NM_001256850.1).
Identifiers: ClinVar variation 4785544 (VCV004785544.1).